The following is an entry in ClinVar:

NM_001145358.2(SIN3A):c.2739C>T (p.Ala913=)

Gene: SIN3A (SIN3 transcription regulator family member A; minus strand). Cytogenetic location: 15q24.2.
Variant type: single nucleotide variant.
Coding change: c.2739C>T on transcript NM_001145358.2 (MANE Select); coding-DNA position 2739, C replaced by T.
Protein change: p.Ala913=; no amino-acid change (alanine 913 retained).
Molecular consequence: synonymous variant.
Genome position (GRCh38, 1-based): chr15:75,392,354, G>A on the plus strand (C>T on the coding strand, the complement: SIN3A is on the minus strand). VCF-style: chr15-75392354-G-A. GRCh37 (hg19) VCF-style: chr15-75684695-G-A.
Other names: c.2739C>T, p.Ala913= (NM_001145357.2, NM_015477.3).
Identifiers: ClinVar variation 733005 (VCV000733005.10), dbSNP rs138048130, ClinGen allele CA7667417.

ClinVar aggregate classification (germline): Benign. Review status: criteria provided, single submitter (1 of 4 stars). 2 submissions from 2 submitters: Benign (1). 1 of the submissions does not count toward it. Last evaluated 2025-11-09.

Conditions:
SIN3A-related disorder. Also called: SIN3A-related condition.

Allele frequency attached by ClinVar (database versions not stated): 1000 Genomes Project 0.00020; ESP Exome Variant Server 0.00023; gnomAD 0.00046 and 0.00051; TOPMed 0.00049; gnomAD exomes 0.00010; ExAC 0.00014; 1000 Genomes Project 30x 0.00016.
gnomAD v4.1: 134 of 1,614,150 alleles (0.0083%); highest among the groups gnomAD compares: African/African-American, 0.15%; no homozygotes.

Submissions (2):

Labcorp Genetics (formerly Invitae), Labcorp
Classification: Benign. Last evaluated: 2025-11-09. Review status: criteria provided, single submitter. Criteria: Invitae Variant Classification Sherloc (09022015). Collection method: clinical testing. Allele origin: germline.

PreventionGenetics, part of Exact Sciences
Classification: Likely benign for SIN3A-related condition. Last evaluated: 2023-11-22. Review status: no assertion criteria provided. Collection method: clinical testing. Allele origin: germline. Not counted in ClinVar's aggregate classification.
Comment: This variant is classified as likely benign based on ACMG/AMP sequence variant interpretation guidelines (Richards et al. 2015 PMID: 25741868, with internal and published modifications).